The following is an entry in ClinVar:

ClinVar aggregate classification (germline): Uncertain significance. Review status: criteria provided, multiple submitters, no conflicts (2 of 4 stars). 2 submissions from 2 submitters: Uncertain significance (2). Last evaluated 2022-08-09.

Allele frequency attached by ClinVar (database versions not stated): gnomAD exomes below 0.00001.
gnomAD v4.1: 6 of 1,550,492 alleles (0.00039%); highest among the groups gnomAD compares: East Asian, 0.0073%; no homozygotes.

Submissions (2):

Labcorp Genetics (formerly Invitae), Labcorp
Classification: Uncertain significance. Last evaluated: 2022-08-09. Review status: criteria provided, single submitter. Criteria: Invitae Variant Classification Sherloc (09022015). Collection method: clinical testing. Allele origin: germline.
Comment: In summary, the available evidence is currently insufficient to determine the role of this variant in disease. Therefore, it has been classified as a Variant of Uncertain Significance. Algorithms developed to predict the effect of missense changes on protein structure and function are either unavailable or do not agree on the potential impact of this missense change (SIFT: "Deleterious"; PolyPhen-2: "Benign"; Align-GVGD: "Class C15"). ClinVar contains an entry for this variant (Variation ID: 1389180). This variant has not been reported in the literature in individuals affected with OTOG-related conditions. This variant is not present in population databases (gnomAD no frequency). This sequence change replaces glycine, which is neutral and non-polar, with glutamic acid, which is acidic and polar, at codon 2024 of the OTOG protein (p.Gly2024Glu).

GeneDx
Classification: Uncertain significance. Last evaluated: 2022-03-22. Review status: criteria provided, single submitter. Criteria: GeneDx Variant Classification Process June 2021. Collection method: clinical testing. Allele origin: germline. Affected: yes.
Comment: Not observed at significant frequency in large population cohorts (gnomAD); In silico analysis supports that this missense variant does not alter protein structure/function; Has not been previously published as pathogenic or benign to our knowledge

NM_001292063.2(OTOG):c.6035G>A (p.Gly2012Glu)

Gene: OTOG (otogelin; plus strand). Cytogenetic location: 11p15.1.
Variant type: single nucleotide variant.
Coding change: c.6035G>A on transcript NM_001292063.2 (MANE Select); coding-DNA position 6035, G replaced by A.
Protein change: p.Gly2012Glu; replaces glycine 2012 with glutamic acid.
Molecular consequence: missense variant.
Genome position (GRCh38, 1-based): chr11:17,611,335, G>A. VCF-style: chr11-17611335-G-A. GRCh37 (hg19) VCF-style: chr11-17632882-G-A.
Other names: c.6071G>A, p.Gly2024Glu (NM_001277269.2); short protein forms G2024E, G2012E.
Identifiers: ClinVar variation 1389180 (VCV001389180.9), dbSNP rs2134092984, ClinGen allele CA379802412.